The following is an entry in ClinVar:

ClinVar aggregate classification (germline): Uncertain significance (1 of 4 stars; one submission).

Submission:

Dasa
Classification: Uncertain significance. Last evaluated: 2025-12-28. Review status: criteria provided, single submitter. Criteria: DASA Assertion Criteria. Collection method: clinical testing. Allele origin: germline.
Comment: NM_001281775.3(ZMYND8):c.3505C>G (p.Gln1169Glu) is a missense variant that results in the substitution of glutamine with glutamic acid. This variant is rare in population databases. The currently available literature and clinical evidence are not sufficient to establish a definitive association between this variant and the reported condition. Therefore, this variant is classified as a variant of uncertain significance.

NM_001281775.3(ZMYND8):c.3505C>G (p.Gln1169Glu)

Gene: ZMYND8 (zinc finger MYND-type containing 8; minus strand). Cytogenetic location: 20q13.12.
Variant type: single nucleotide variant.
Coding change: c.3505C>G on transcript NM_001281775.3 (MANE Select); coding-DNA position 3505, C replaced by G.
Protein change: p.Gln1169Glu; replaces glutamine 1169 with glutamic acid.
Molecular consequence: missense variant. On other transcripts: intron variant (10).
Genome position (GRCh38, 1-based): chr20:47,212,705, G>C on the plus strand (C>G on the coding strand, the complement: ZMYND8 is on the minus strand). VCF-style: chr20-47212705-G-C. GRCh37 (hg19) VCF-style: chr20-45841350-G-C.
Other names: c.3445C>G, p.Gln1149Glu (NM_001281773.3); c.3307C>G, p.Gln1103Glu (NM_001281774.3); c.3124C>G, p.Gln1042Glu (NM_001281776.3); c.3292C>G, p.Gln1098Glu (NM_001281777.3); c.2563C>G, p.Gln855Glu (NM_001281779.3); c.3211C>G, p.Gln1071Glu (NM_001281782.3); c.3526C>G, p.Gln1176Glu (NM_001363714.1); c.3367C>G, p.Gln1123Glu (NM_183047.4); and 9 more; short protein forms Q1042E, Q1071E, Q1098E, Q1103E, Q1123E, Q1149E, Q1169E, Q1176E.
Identifiers: ClinVar variation 4856906 (VCV004856906.2).